The following is an entry in ClinVar:

ClinVar aggregate classification (germline): Uncertain significance (1 of 4 stars; one submission).

Allele frequency attached by ClinVar (database versions not stated): TOPMed 0.00003; gnomAD 0.00005; ESP Exome Variant Server 0.00008.
gnomAD v4.1: 132 of 1,572,910 alleles (0.0084%); highest among the groups gnomAD compares: Non-Finnish European, 0.011%; no homozygotes.

Submission:

Labcorp Genetics (formerly Invitae), Labcorp
Classification: Uncertain significance. Last evaluated: 2022-07-27. Review status: criteria provided, single submitter. Criteria: Invitae Variant Classification Sherloc (09022015). Collection method: clinical testing. Allele origin: germline.
Comment: This sequence change replaces aspartic acid, which is acidic and polar, with asparagine, which is neutral and polar, at codon 1050 of the ITGA3 protein (p.Asp1050Asn). The frequency data for this variant in the population databases is considered unreliable, as metrics indicate poor data quality at this position in the gnomAD database. This variant has not been reported in the literature in individuals affected with ITGA3-related conditions. Algorithms developed to predict the effect of missense changes on protein structure and function are either unavailable or do not agree on the potential impact of this missense change (SIFT: "Tolerated"; PolyPhen-2: "Possibly Damaging"; Align-GVGD: "Class C0"). In summary, the available evidence is currently insufficient to determine the role of this variant in disease. Therefore, it has been classified as a Variant of Uncertain Significance.

NM_002204.4(ITGA3):c.3148G>A (p.Asp1050Asn)

Gene: ITGA3 (integrin subunit alpha 3; plus strand). Cytogenetic location: 17q21.33.
Variant type: single nucleotide variant.
Coding change: c.3148G>A on transcript NM_002204.4 (MANE Select); coding-DNA position 3148, G replaced by A.
Protein change: p.Asp1050Asn; replaces aspartic acid 1050 with asparagine.
Molecular consequence: missense variant.
Genome position (GRCh38, 1-based): chr17:50,088,327, G>A. VCF-style: chr17-50088327-G-A. GRCh37 (hg19) VCF-style: chr17-48165691-G-A.
Other names: short protein forms D1050N.
Identifiers: ClinVar variation 2165282 (VCV002165282.1), dbSNP rs371838662, ClinGen allele CA291531538.
Genomic context (GRCh38, chr17:50,088,327, plus strand): 5'-GCTAAGAGGCAGAAGGCGGAGATGAAGAGCCAGCCGTCAGAGACAGAGAGGCTGACCGAC[G>A]ACTACTGAGGGGGCAGCCCCCCGCCCCCGGCCCACCTGGGTAACACGGCCTCCGGGCCCC-3'
Protein context (NP_002195.1, residues 1040-1051): QPSETERLTD[Asp1050Asn]Y